The following is an entry in ClinVar:

ClinVar aggregate classification (germline): Uncertain significance. Review status: criteria provided, multiple submitters, no conflicts (2 of 4 stars). 3 submissions from 3 submitters: Uncertain significance (3). Last evaluated 2023-12-30.

Conditions:
Inborn genetic diseases. Identifiers: MedGen C0950123, MeSH D030342.

Allele frequency attached by ClinVar (database versions not stated): 1000 Genomes Project 30x 0.00031; 1000 Genomes Project 0.00040.
gnomAD v4.1: 157 of 1,614,016 alleles (0.0097%); highest among the groups gnomAD compares: South Asian, 0.15%; 2 homozygotes.

Submissions (3):

GeneDx
Classification: Uncertain significance. Last evaluated: 2023-12-30. Review status: criteria provided, single submitter. Criteria: GeneDx Variant Classification Process June 2021. Collection method: clinical testing. Allele origin: germline. Affected: yes.
Comment: In silico analysis supports that this missense variant does not alter protein structure/function; Has not been previously published as pathogenic or benign to our knowledge

Ambry Genetics
Classification: Uncertain significance for Inborn genetic diseases. Last evaluated: 2023-10-13. Review status: criteria provided, single submitter. Criteria: Ambry Variant Classification Scheme 2023. Collection method: clinical testing. Allele origin: germline.

Labcorp Genetics (formerly Invitae), Labcorp
Classification: Uncertain significance. Last evaluated: 2022-01-27. Review status: criteria provided, single submitter. Criteria: Invitae Variant Classification Sherloc (09022015). Collection method: clinical testing. Allele origin: germline.
Comment: In summary, the available evidence is currently insufficient to determine the role of this variant in disease. Therefore, it has been classified as a Variant of Uncertain Significance. Algorithms developed to predict the effect of missense changes on protein structure and function are either unavailable or do not agree on the potential impact of this missense change (SIFT: "Deleterious"; PolyPhen-2: "Benign"; Align-GVGD: "Class C0"). This variant has not been reported in the literature in individuals affected with TBX15-related conditions. This variant is present in population databases (rs374500071, gnomAD 0.2%). This sequence change replaces proline, which is neutral and non-polar, with threonine, which is neutral and polar, at codon 154 of the TBX15 protein (p.Pro154Thr).

NM_001330677.2(TBX15):c.778C>A (p.Pro260Thr)

Gene: TBX15 (T-box transcription factor 15; minus strand). Cytogenetic location: 1p12.
Variant type: single nucleotide variant.
Coding change: c.778C>A on transcript NM_001330677.2 (MANE Select); coding-DNA position 778, C replaced by A.
Protein change: p.Pro260Thr; replaces proline 260 with threonine.
Molecular consequence: missense variant.
Genome position (GRCh38, 1-based): chr1:118,923,519, G>T on the plus strand (C>A on the coding strand, the complement: TBX15 is on the minus strand). VCF-style: chr1-118923519-G-T. GRCh37 (hg19) VCF-style: chr1-119466142-G-T.
Other names: c.460C>A (NM_152380.2); c.460C>A, p.Pro154Thr (NM_152380.3); short protein forms P260T, P154T.
Identifiers: ClinVar variation 1494914 (VCV001494914.10), dbSNP rs374500071, ClinGen allele CA1035002.